The following is an entry in ClinVar:

NM_004364.5(CEBPA):c.790C>T (p.Arg264Cys)

Gene: CEBPA (CCAAT enhancer binding protein alpha; minus strand). Cytogenetic location: 19q13.11.
Variant type: single nucleotide variant.
Coding change: c.790C>T on transcript NM_004364.5 (MANE Select); coding-DNA position 790, C replaced by T.
Protein change: p.Arg264Cys; replaces arginine 264 with cysteine.
Molecular consequence: missense variant.
Genome position (GRCh38, 1-based): chr19:33,301,625, G>A on the plus strand (C>T on the coding strand, the complement: CEBPA is on the minus strand). VCF-style: chr19-33301625-G-A. GRCh37 (hg19) VCF-style: chr19-33792531-G-A.
Other names: c.433C>T, p.Arg145Cys (NM_001285829.2); c.895C>T, p.Arg299Cys (NM_001287424.2); c.748C>T, p.Arg250Cys (NM_001287435.2); c.790C>T (NM_004364.3); short protein forms R145C, R264C, R299C, R250C.
Identifiers: ClinVar variation 648588 (VCV000648588.11), dbSNP rs1228704709, ClinGen allele CA405274207.

ClinVar aggregate classification (germline): Uncertain significance. Review status: criteria provided, multiple submitters, no conflicts (2 of 4 stars). 3 submissions from 3 submitters: Uncertain significance (3). Last evaluated 2025-06-12.

Conditions:
Inborn genetic diseases. Identifiers: MedGen C0950123, MeSH D030342.
Acute myeloid leukemia (AML). Also called: Acute myeloid leukemia, adult; AML adult; Acute non-lymphocytic leukemia; Acute granulocytic leukemia; Leukemia, acute myeloid, somatic; Leukemia, acute myelogenous, somatic. Identifiers: Orphanet 519, MedGen C0023467, MeSH D015470, MONDO:0018874, OMIM 601626, HP:0004808. Disease mechanism: Constitutively activated FLT3.

Allele frequency attached by ClinVar (database versions not stated): gnomAD 0.00001; gnomAD exomes 0.00001.
gnomAD v4.1: 4 of 1,581,968 alleles (0.00025%); highest among the groups gnomAD compares: East Asian, 0.0023%; no homozygotes.

Submissions (3):

Ambry Genetics
Classification: Uncertain significance for Inborn genetic diseases. Last evaluated: 2025-06-12. Review status: criteria provided, single submitter. Criteria: Ambry Variant Classification Scheme 2023. Collection method: clinical testing. Allele origin: germline.
Comment: The p.R264C variant (also known as c.790C>T), located in coding exon 1 of the CEBPA gene, results from a C to T substitution at nucleotide position 790. The arginine at codon 264 is replaced by cysteine, an amino acid with highly dissimilar properties. This amino acid position is conserved. In addition, this alteration is predicted to be tolerated by in silico analysis. Based on the available evidence, the clinical significance of this variant remains unclear.

Blueprint Genetics
Classification: Uncertain significance. Last evaluated: 2023-10-03. Review status: criteria provided, single submitter. Criteria: ACMG Guidelines, 2015. Collection method: clinical testing. Allele origin: germline.

Labcorp Genetics (formerly Invitae), Labcorp
Classification: Uncertain significance for Acute myeloid leukemia. Last evaluated: 2018-11-01. Review status: criteria provided, single submitter. Criteria: Invitae Variant Classification Sherloc (09022015). Collection method: clinical testing. Allele origin: germline.
Comment: This sequence change replaces arginine with cysteine at codon 264 of the CEBPA protein (p.Arg264Cys). The arginine residue is weakly conserved and there is a large physicochemical difference between arginine and cysteine. In summary, the available evidence is currently insufficient to determine the role of this variant in disease. Therefore, it has been classified as a Variant of Uncertain Significance. Algorithms developed to predict the effect of missense changes on protein structure and function are either unavailable or do not agree on the potential impact of this missense change (SIFT: "Deleterious"; PolyPhen-2: "Possibly Damaging"; Align-GVGD: "Class C0"). This variant has not been reported in the literature in individuals with CEBPA-related disease. This variant is not present in population databases (ExAC no frequency).